The following is an entry in ClinVar:

NM_001378418.1(TCF20):c.3607C>G (p.Pro1203Ala)

Gene: TCF20 (transcription factor 20; minus strand). Cytogenetic location: 22q13.2.
Variant type: single nucleotide variant.
Coding change: c.3607C>G on transcript NM_001378418.1 (MANE Select); coding-DNA position 3607, C replaced by G.
Protein change: p.Pro1203Ala; replaces proline 1203 with alanine.
Molecular consequence: missense variant.
Genome position (GRCh38, 1-based): chr22:42,211,699, G>C on the plus strand (C>G on the coding strand, the complement: TCF20 is on the minus strand). VCF-style: chr22-42211699-G-C. GRCh37 (hg19) VCF-style: chr22-42607705-G-C.
Other names: c.3607C>G, p.Pro1203Ala (NM_005650.4, NM_181492.3); short protein forms P1203A.
Identifiers: ClinVar variation 5040492 (VCV005040492.1).
Genomic context (GRCh38, chr22:42,211,699, plus strand): 5'-GTCCATGTCCATCAGTCTCATGGGGCGGCCCATACCTTTTTTGACTGGACATTCCTGGAG[G>C]ACCGCTGCTTTTGGCTGGAGAAGTTTGCCGAGAAAGATCCCAACAGGATTCTTGTAACTT-3'
Protein context (NP_001365347.1, residues 1193-1213): RQTSPAKSSG[Pro1203Ala]PGMSSQKRYG

ClinVar aggregate classification (germline): Uncertain significance (1 of 4 stars; one submission).

Submission:

CeGaT Center for Human Genetics Tuebingen
Classification: Uncertain significance. Last evaluated: 2026-08-01. Review status: criteria provided, single submitter. Criteria: CeGaT Center For Human Genetics Tuebingen Variant Classification Criteria Version 2. Collection method: clinical testing. Allele origin: germline. Affected: yes. Observed: 1 variant allele.
Comment: TCF20: PM2, BP4